The following is an entry in ClinVar:

NM_004415.4(DSP):c.8173C>T (p.Arg2725Cys)

Gene: DSP (desmoplakin; plus strand). Cytogenetic location: 6p24.3.
Variant type: single nucleotide variant.
Coding change: c.8173C>T on transcript NM_004415.4 (MANE Select); coding-DNA position 8173, C replaced by T.
Protein change: p.Arg2725Cys; replaces arginine 2725 with cysteine.
Molecular consequence: missense variant.
Genome position (GRCh38, 1-based): chr6:7,585,435, C>T. VCF-style: chr6-7585435-C-T. GRCh37 (hg19) VCF-style: chr6-7585668-C-T.
Other names: c.6376C>T, p.Arg2126Cys (NM_001008844.3); c.6844C>T, p.Arg2282Cys (NM_001319034.2); c.8173C>T (NM_004415.3, LRG_423t1); short protein forms R2282C, R2126C, R2725C.
Identifiers: ClinVar variation 661015 (VCV000661015.21), dbSNP rs141078292, ClinGen allele CA051674.

ClinVar aggregate classification (germline): Conflicting classifications of pathogenicity. Review status: criteria provided, conflicting classifications (1 of 4 stars). 9 submissions from 9 submitters: Uncertain significance (4); Benign (1); Likely benign (4). Last evaluated 2026-07-01.

Conditions:
Arrhythmogenic cardiomyopathy with wooly hair and keratoderma. Also called: PALMOPLANTAR KERATODERMA WITH LEFT VENTRICULAR CARDIOMYOPATHY AND WOOLLY HAIR; Carvajal syndrome; Arrhythmogenic cardiomyopathy with woolly hair and keratoderma; Dilated cardiomyopathy with woolly hair and keratoderma. Identifiers: Orphanet 65282, MedGen C1854063, MONDO:0011581, OMIM 605676.
Arrhythmogenic right ventricular dysplasia 8 (ARVD8). Also called: ARRHYTHMOGENIC RIGHT VENTRICULAR CARDIOMYOPATHY 8; ARRHYTHMOGENIC RIGHT VENTRICULAR DYSPLASIA, FAMILIAL, 8; Arrhythmogenic Right Ventricular Dysplasia/Cardiomyopathy 8. Identifiers: MedGen C1843896, MONDO:0011831, OMIM 607450.
Cardiovascular phenotype. Identifiers: MedGen CN230736.
Cardiomyopathy (CMYO). Also called: Cardiomyopathies. Identifiers: Orphanet 167848, MedGen C0878544, MONDO:0004994, HP:0001638. Inheritance: Various modes of inheritance.

Allele frequency attached by ClinVar (database versions not stated): gnomAD exomes 0.00001 and 0.00004; ExAC 0.00005; ESP Exome Variant Server 0.00008; gnomAD 0.00010 and 0.00011; TOPMed 0.00011.
gnomAD v4.1: 36 of 1,614,014 alleles (0.0022%); highest among the groups gnomAD compares: African/African-American, 0.037%; 1 homozygote.

Submissions (9):

CeGaT Center for Human Genetics Tuebingen
Classification: Uncertain significance. Last evaluated: 2026-07-01. Review status: criteria provided, single submitter. Criteria: CeGaT Center For Human Genetics Tuebingen Variant Classification Criteria Version 2. Collection method: clinical testing. Allele origin: germline. Affected: yes. Observed: 1 variant allele.
Comment: DSP: PM2, PP3

Labcorp Genetics (formerly Invitae), Labcorp
Classification: Benign for Arrhythmogenic cardiomyopathy with wooly hair and keratoderma; Arrhythmogenic right ventricular dysplasia 8. Last evaluated: 2025-12-09. Review status: criteria provided, single submitter. Criteria: Invitae Variant Classification Sherloc (09022015). Collection method: clinical testing. Allele origin: germline.

Women's Health and Genetics/Laboratory Corporation of America, LabCorp
Classification: Uncertain significance. Last evaluated: 2025-07-13. Review status: criteria provided, single submitter. Criteria: LabCorp Variant Classification Summary - May 2015. Collection method: clinical testing. Allele origin: germline.

Molecular Diagnostic Laboratory for Inherited Cardiovascular Disease, Montreal Heart Institute
Classification: Uncertain significance for Cardiovascular phenotype. Last evaluated: 2025-02-17. Review status: criteria provided, single submitter. Criteria: ACMG Guidelines, 2015. Collection method: clinical testing. Allele origin: germline. Affected: yes.

All of Us Research Program, National Institutes of Health
Classification: Likely benign for Arrhythmogenic cardiomyopathy with wooly hair and keratoderma. Last evaluated: 2024-08-13. Review status: criteria provided, single submitter. Criteria: ACMG Guidelines, 2015. Collection method: clinical testing. Allele origin: germline. Inheritance: Autosomal dominant inheritance. Observed: 13 variant alleles, 13 heterozygotes.
Comment: This study involves interpretation of variants in research participants for the purpose of population health screening. Participant phenotype was not available at the time of variant classification. Additional details can be found in publication PMID: 35346344, PMCID: PMC8962531

Color Diagnostics, LLC DBA Color Health
Classification: Likely benign for Cardiomyopathy. Last evaluated: 2024-05-23. Review status: criteria provided, single submitter. Criteria: ACMG Guidelines, 2015. Collection method: clinical testing. Allele origin: germline.

Ambry Genetics
Classification: Likely benign for Cardiovascular phenotype. Last evaluated: 2023-04-13. Review status: criteria provided, single submitter. Criteria: Ambry Variant Classification Scheme 2023. Collection method: clinical testing. Allele origin: germline.

GeneDx
Classification: Uncertain significance. Last evaluated: 2020-11-17. Review status: criteria provided, single submitter. Criteria: GeneDx Variant Classification Process June 2021. Collection method: clinical testing. Allele origin: germline. Affected: yes.
Comment: Has not been previously published as pathogenic or benign to our knowledge Observed in 13/282,796 (0.005%) global alleles in large population cohorts (Lek et al., 2016) In silico analysis, which includes protein predictors and evolutionary conservation, supports a deleterious effect Reported in ClinVar but additional evidence is not available (ClinVar Variant ID#661015; Landrum et al., 2016) Identified in conjunction with additional cardiogenetic variants in individuals referred for cardiac genetic testing at GeneDx, but segregation data are limited or absent at this time

Center for Advanced Laboratory Medicine, UC San Diego Health, University of California San Diego
Classification: Likely benign for Cardiomyopathy. Last evaluated: 2017-03-22. Review status: criteria provided, single submitter. Criteria: ACMG Guidelines, 2015. Collection method: clinical testing. Allele origin: germline. Affected: yes. Observed: 1 variant allele.